The following is an entry in ClinVar:

NM_001035.3(RYR2):c.9903G>A (p.Val3301=)

Gene: RYR2 (ryanodine receptor 2; plus strand). Cytogenetic location: 1q43.
Variant type: single nucleotide variant.
Coding change: c.9903G>A on transcript NM_001035.3 (MANE Select); coding-DNA position 9903, G replaced by A.
Protein change: p.Val3301=; no amino-acid change (valine 3301 retained).
Molecular consequence: synonymous variant.
Genome position (GRCh38, 1-based): chr1:237,708,859, G>A. VCF-style: chr1-237708859-G-A. GRCh37 (hg19) VCF-style: chr1-237872159-G-A.
Other names: c.9903G>A (NM_001035.2).
Identifiers: ClinVar variation 919048 (VCV000919048.17), dbSNP rs756970130, ClinGen allele CA424031875.

ClinVar aggregate classification (germline): Likely benign. Review status: criteria provided, multiple submitters, no conflicts (2 of 4 stars). 4 submissions from 4 submitters: Likely benign (4). Last evaluated 2024-12-17.

Conditions:
Cardiovascular phenotype. Identifiers: MedGen CN230736.
Catecholaminergic polymorphic ventricular tachycardia (CVPT). Also called: Catecholamine-induced polymorphic ventricular tachycardia. Identifiers: Orphanet 3286, MedGen C5574922, MONDO:0017990.
Cardiomyopathy (CMYO). Also called: Cardiomyopathies. Identifiers: Orphanet 167848, MedGen C0878544, MONDO:0004994, HP:0001638. Inheritance: Various modes of inheritance.
Catecholaminergic polymorphic ventricular tachycardia 1. Also called: VENTRICULAR TACHYCARDIA, CATECHOLAMINERGIC POLYMORPHIC, 1, WITH OR WITHOUT ATRIAL DYSFUNCTION AND/OR DILATED CARDIOMYOPATHY; RYR2-Related Catecholaminergic Polymorphic Ventricular Tachycardia; VENTRICULAR TACHYCARDIA, STRESS-INDUCED POLYMORPHIC 1. Identifiers: Orphanet 3286, MedGen C1631597, MONDO:0011484, OMIM 604772.

Allele frequency attached by ClinVar (database versions not stated): gnomAD exomes below 0.00001; gnomAD 0.00001; TOPMed 0.00001.
gnomAD v4.1: 2 of 1,608,408 alleles (0.00012%); highest among the groups gnomAD compares: African/African-American, 0.0027%; no homozygotes.

Submissions (4):

Labcorp Genetics (formerly Invitae), Labcorp
Classification: Likely benign for Catecholaminergic polymorphic ventricular tachycardia 1. Last evaluated: 2024-12-17. Review status: criteria provided, single submitter. Criteria: Invitae Variant Classification Sherloc (09022015). Collection method: clinical testing. Allele origin: germline.

All of Us Research Program, National Institutes of Health
Classification: Likely benign for Catecholaminergic polymorphic ventricular tachycardia. Last evaluated: 2023-08-15. Review status: criteria provided, single submitter. Criteria: ACMG Guidelines, 2015. Collection method: clinical testing. Allele origin: germline. Inheritance: Autosomal dominant inheritance. Observed: 2 variant alleles, 2 heterozygotes.
Comment: This study involves interpretation of variants in research participants for the purpose of population health screening. Participant phenotype was not available at the time of variant classification. Additional details can be found in publication PMID: 35346344, PMCID: PMC8962531

Color Diagnostics, LLC DBA Color Health
Classification: Likely benign for Cardiomyopathy. Last evaluated: 2022-10-19. Review status: criteria provided, single submitter. Criteria: ACMG Guidelines, 2015. Collection method: clinical testing. Allele origin: germline.

Ambry Genetics
Classification: Likely benign for Cardiovascular phenotype. Last evaluated: 2022-04-19. Review status: criteria provided, single submitter. Criteria: Ambry Variant Classification Scheme 2023. Collection method: clinical testing. Allele origin: germline.